The following is an entry in ClinVar:

ClinVar aggregate classification (germline): Likely pathogenic. Review status: criteria provided, single submitter (1 of 4 stars). 2 submissions from 2 submitters: Likely pathogenic (1). 1 of the submissions does not count toward it. Last evaluated 2025-04-05.

Conditions:
Spondylocarpotarsal fusion syndrome 1A.

Allele frequency attached by ClinVar (database versions not stated): gnomAD 0.00001.
gnomAD v4.1: 1 of 1,614,002 alleles (0.000062%); highest among the groups gnomAD compares: African/African-American, 0.0013%; no homozygotes.

Submissions (2):

Dasa
Classification: Likely pathogenic. Last evaluated: 2025-04-05. Review status: criteria provided, single submitter. Criteria: DASA Assertion Criteria. Collection method: clinical testing. Allele origin: germline.
Comment: NM_002470.4(MYH3):c.1581+2T>C affects a canonical splice site and is predicted to disrupt normal RNA splicing. Loss of function is an established disease mechanism for MYH3-associated disorders. This variant has been recurrently observed in individuals with MYH3-related disorders (PMID: 34122524; PMID: 29805041). Also, this variant is rare in population databases. Based on the currently available evidence, this variant is classified as likely pathogenic.

Department of Pediatrics, Inha University Hospital, Inha University College of Medicine
Classification: Pathogenic for Spondylocarpotarsal fusion syndrome 1A. Review status: no assertion criteria provided. Collection method: clinical testing. Allele origin: germline. Affected: yes. Not counted in ClinVar's aggregate classification.

Literature cited by the submitters: PubMed 34122524 (cited by Dasa); PubMed 29805041 (cited by Dasa).

NM_002470.4(MYH3):c.1581+2T>C

Gene: MYH3 (myosin heavy chain 3; minus strand). Cytogenetic location: 17p13.1.
Variant type: single nucleotide variant.
Coding change: c.1581+2T>C on transcript NM_002470.4 (MANE Select); the canonical splice donor site of the intron after coding-DNA position 1581, T replaced by C.
Molecular consequence: splice donor variant.
Genome position (GRCh38, 1-based): chr17:10,642,824, A>G on the plus strand (T>C on the coding strand, the complement: MYH3 is on the minus strand). VCF-style: chr17-10642824-A-G. GRCh37 (hg19) VCF-style: chr17-10546141-A-G.
Identifiers: ClinVar variation 1065334 (VCV001065334.3), dbSNP rs1597488212, ClinGen allele CA398172278.